The following is an entry in ClinVar:

ClinVar aggregate classification (germline): Benign/Likely benign. Review status: criteria provided, multiple submitters, no conflicts (2 of 4 stars). 6 submissions from 6 submitters: Benign (1); Likely benign (5). Last evaluated 2025-12-01.

Conditions:
Collagen 6-related myopathy. Identifiers: MedGen CN117976, MONDO:0100225.
Bethlem myopathy 1A. Also called: Bethlem myopathy 1; MYOPATHY, BENIGN CONGENITAL, WITH CONTRACTURES; Bethlem Muscular Dystrophy. Identifiers: Orphanet 610, MedGen CN029274, MONDO:0024530, OMIM 158810.

Allele frequency attached by ClinVar (database versions not stated): 1000 Genomes Project 30x 0.00016; 1000 Genomes Project 0.00020; TOPMed 0.00036; gnomAD 0.00041; ExAC 0.00059; ESP Exome Variant Server 0.00062; gnomAD exomes 0.00068.
gnomAD v4.1: 567 of 1,614,178 alleles (0.035%); highest among the groups gnomAD compares: South Asian, 0.014%; 2 homozygotes.

Submissions (6):

CeGaT Center for Human Genetics Tuebingen
Classification: Likely benign. Last evaluated: 2025-12-01. Review status: criteria provided, single submitter. Criteria: CeGaT Center For Human Genetics Tuebingen Variant Classification Criteria Version 2. Collection method: clinical testing. Allele origin: germline. Affected: yes. Observed: 4 variant alleles.
Comment: COL6A3: BP4, BP7

Labcorp Genetics (formerly Invitae), Labcorp
Classification: Likely benign for Bethlem myopathy 1A. Last evaluated: 2025-11-27. Review status: criteria provided, single submitter. Criteria: Invitae Variant Classification Sherloc (09022015). Collection method: clinical testing. Allele origin: germline.

Blueprint Genetics
Classification: Likely benign. Last evaluated: 2024-06-21. Review status: criteria provided, single submitter. Criteria: ACMG Guidelines, 2015. Collection method: clinical testing. Allele origin: germline.

GeneDx
Classification: Likely benign. Last evaluated: 2020-08-17. Review status: criteria provided, single submitter. Criteria: GeneDx Variant Classification Process June 2021. Collection method: clinical testing. Allele origin: germline. Affected: yes.

Eurofins Ntd Llc (ga)
Classification: Likely benign. Last evaluated: 2018-02-09. Review status: criteria provided, single submitter. Criteria: EGL ClinVar v180209 classification definitions. Collection method: clinical testing. Allele origin: germline. Observed: 6 variant alleles, 6 heterozygotes.

Illumina Laboratory Services, Illumina
Classification: Benign for Collagen VI-related myopathy. Last evaluated: 2018-01-12. Review status: criteria provided, single submitter. Criteria: ICSL Variant Classification Criteria 13 December 2019. Collection method: clinical testing. Allele origin: germline.
Comment: This variant was observed in the ICSL laboratory as part of a predisposition screen in an ostensibly healthy population. It had not been previously curated by ICSL or reported in the Human Gene Mutation Database (HGMD: prior to June 1st, 2018), and was therefore a candidate for classification through an automated scoring system. Utilizing variant allele frequency, disease prevalence and penetrance estimates, and inheritance mode, an automated score was calculated to assess if this variant is too frequent to cause the disease. Based on the score and internal cut-off values, a variant classified as benign is not then subjected to further curation. The score for this variant resulted in a classification of benign for this disease.

NM_004369.4(COL6A3):c.2205C>T (p.Gly735=)

Gene: COL6A3 (collagen type VI alpha 3 chain; minus strand). Cytogenetic location: 2q37.3.
Variant type: single nucleotide variant.
Coding change: c.2205C>T on transcript NM_004369.4 (MANE Select); coding-DNA position 2205, C replaced by T.
Protein change: p.Gly735=; no amino-acid change (glycine 735 retained).
Molecular consequence: synonymous variant. On other transcripts: intron variant (1).
Genome position (GRCh38, 1-based): chr2:237,378,928, G>A on the plus strand (C>T on the coding strand, the complement: COL6A3 is on the minus strand). VCF-style: chr2-237378928-G-A. GRCh37 (hg19) VCF-style: chr2-238287571-G-A.
Other names: c.984C>T, p.Gly328= (NM_057164.5); c.1587C>T, p.Gly529= (NM_057165.5, NM_057167.4); c.677-1584C>T (NM_057166.5).
Identifiers: ClinVar variation 281615 (VCV000281615.63), dbSNP rs148713779, ClinGen allele CA2189457.
Genomic context (GRCh38, chr2:237,378,928, plus strand): 5'-AGACTGCCCAGCTGTGAGCAGAAGCAGGAGCTGCGGCACGTGTTCACGGATCCTGCTGCC[G>A]CCAGCTTCCGTGAAGTGGTTGGCATAGACATAGCTTAGGGCTGAGCCTGTGTTCAGGCCC-3'
Protein context (NP_004360.2, residues 725-745): YVYANHFTEA[Gly735=]GSRIREHVPQ